The following is an entry in ClinVar:

NM_000218.3(KCNQ1):c.1286A>G (p.Asn429Ser)

Gene: KCNQ1 (potassium voltage-gated channel subfamily Q member 1; plus strand). Cytogenetic location: 11p15.5.
Variant type: single nucleotide variant.
Coding change: c.1286A>G on transcript NM_000218.3 (MANE Select); coding-DNA position 1286, A replaced by G.
Protein change: p.Asn429Ser; replaces asparagine 429 with serine.
Molecular consequence: missense variant.
Genome position (GRCh38, 1-based): chr11:2,588,747, A>G. VCF-style: chr11-2588747-A-G. GRCh37 (hg19) VCF-style: chr11-2609977-A-G.
Other names: c.1190A>G, p.Asn397Ser (NM_001406836.1); c.1016A>G, p.Asn339Ser (NM_001406837.1); c.746A>G, p.Asn249Ser (NM_001406838.1); c.905A>G, p.Asn302Ser (NM_181798.2); short protein forms N302S, N429S, N249S, N339S, N397S.
Identifiers: ClinVar variation 579711 (VCV000579711.32), dbSNP rs1464968488, ClinGen allele CA379134975.

ClinVar aggregate classification (germline): Uncertain significance. Review status: criteria provided, multiple submitters, no conflicts (2 of 4 stars). 5 submissions from 5 submitters: Uncertain significance (5). Last evaluated 2025-06-24.

Conditions:
Cardiovascular phenotype. Identifiers: MedGen CN230736.
Cardiac arrhythmia. Also called: Arrhythmia; Cardiac rhythm disease. Identifiers: MedGen C0003811, MONDO:0007263, HP:0011675.
Long QT syndrome (LQTS). Identifiers: MedGen C0023976, MeSH D008133, MONDO:0002442. Disease mechanism: loss of function. Inheritance: Various modes of inheritance.

Allele frequency attached by ClinVar (database versions not stated): gnomAD exomes below 0.00001; gnomAD 0.00001; TOPMed 0.00002.
gnomAD v4.1: 4 of 1,613,632 alleles (0.00025%); highest among the groups gnomAD compares: African/African-American, 0.0027%; no homozygotes.

Submissions (5):

Color Diagnostics, LLC DBA Color Health
Classification: Uncertain significance for Cardiac arrhythmia. Last evaluated: 2025-06-24. Review status: criteria provided, single submitter. Criteria: ACMG Guidelines, 2015. Collection method: clinical testing. Allele origin: germline.
Comment: This missense variant replaces asparagine with serine at codon 429 of the KCNQ1 protein. Computational prediction suggests that this variant may not impact protein structure and function. To our knowledge, functional studies have not been reported for this variant. This variant has been reported in an individual suspected to be affected with epilepsy (PMID: 31696929). This variant has been identified in 2/31342 chromosomes in the general population by the Genome Aggregation Database (gnomAD). The available evidence is insufficient to determine the role of this variant in disease conclusively. Therefore, this variant is classified as a Variant of Uncertain Significance.

CeGaT Center for Human Genetics Tuebingen
Classification: Uncertain significance. Last evaluated: 2025-01-01. Review status: criteria provided, single submitter. Criteria: CeGaT Center For Human Genetics Tuebingen Variant Classification Criteria Version 2. Collection method: clinical testing. Allele origin: germline. Affected: yes. Observed: 1 variant allele.

All of Us Research Program, National Institutes of Health
Classification: Uncertain significance for Long QT syndrome. Last evaluated: 2023-08-28. Review status: criteria provided, single submitter. Criteria: ACMG Guidelines, 2015. Collection method: clinical testing. Allele origin: germline. Inheritance: Autosomal dominant inheritance. Observed: 3 variant alleles, 3 heterozygotes.
Comment: This missense variant replaces asparagine with serine at codon 429 of the KCNQ1 protein. Computational prediction suggests that this variant may not impact protein structure and function (internally defined REVEL score threshold <= 0.5, PMID: 27666373). To our knowledge, functional studies have not been reported for this variant. This variant has been reported in an individual suspected of having epilepsy (PMID: 31696929). This variant has been identified in 2/31342 chromosomes in the general population by the Genome Aggregation Database (gnomAD). The available evidence is insufficient to determine the role of this variant in disease conclusively. Therefore, this variant is classified as a Variant of Uncertain Significance.

This study involves interpretation of variants in research participants for the purpose of population health screening. Participant phenotype was not available at the time of variant classification. Additional details can be found in publication PMID: 35346344, PMCID: PMC8962531

Ambry Genetics
Classification: Uncertain significance for Cardiovascular phenotype. Last evaluated: 2023-03-09. Review status: criteria provided, single submitter. Criteria: Ambry Variant Classification Scheme 2023. Collection method: clinical testing. Allele origin: germline.
Comment: The p.N429S variant (also known as c.1286A>G), located in coding exon 10 of the KCNQ1 gene, results from an A to G substitution at nucleotide position 1286. The asparagine at codon 429 is replaced by serine, an amino acid with highly similar properties. This alteration has been reported in an epilepsy cohort with limited clinical details (Li X et al. Ann Hum Genet, 2020 Mar;84:161-168). This amino acid position is well conserved in available vertebrate species. In addition, the in silico prediction for this alteration is inconclusive. Since supporting evidence is limited at this time, the clinical significance of this alteration remains unclear.

Labcorp Genetics (formerly Invitae), Labcorp
Classification: Uncertain significance for Long QT syndrome. Last evaluated: 2020-10-07. Review status: criteria provided, single submitter. Criteria: Invitae Variant Classification Sherloc (09022015). Collection method: clinical testing. Allele origin: germline.
Comment: This sequence change replaces asparagine with serine at codon 429 of the KCNQ1 protein (p.Asn429Ser). The asparagine residue is moderately conserved and there is a small physicochemical difference between asparagine and serine. In summary, the available evidence is currently insufficient to determine the role of this variant in disease. Therefore, it has been classified as a Variant of Uncertain Significance. Algorithms developed to predict the effect of missense changes on protein structure and function do not agree on the potential impact of this missense change (SIFT: "Deleterious"; PolyPhen-2: "Benign"; Align-GVGD: "Class C0"). This variant has not been reported in the literature in individuals with KCNQ1-related disease. This variant is not present in population databases (ExAC no frequency).

Literature cited by the submitters: PubMed 31696929 (cited by 3 submitters).